The following is an entry in ClinVar:

NM_006949.4(STXBP2):c.1456G>A (p.Ala486Thr)

Gene: STXBP2 (syntaxin binding protein 2; plus strand). Cytogenetic location: 19p13.2.
Variant type: single nucleotide variant.
Coding change: c.1456G>A on transcript NM_006949.4 (MANE Select); coding-DNA position 1456, G replaced by A.
Protein change: p.Ala486Thr; replaces alanine 486 with threonine.
Molecular consequence: missense variant. On other transcripts: non-coding transcript variant (1).
Genome position (GRCh38, 1-based): chr19:7,647,165, G>A. VCF-style: chr19-7647165-G-A. GRCh37 (hg19) VCF-style: chr19-7712051-G-A.
Other names: c.1447G>A, p.Ala483Thr (NM_001127396.3); c.1489G>A, p.Ala497Thr (NM_001272034.2); c.1456G>A (NM_006949.2); short protein forms A483T, A486T, A497T.
Identifiers: ClinVar variation 893534 (VCV000893534.10), dbSNP rs199839827, ClinGen allele CA9144193.

ClinVar aggregate classification (germline): Uncertain significance. Review status: criteria provided, multiple submitters, no conflicts (2 of 4 stars). 3 submissions from 3 submitters: Uncertain significance (3). Last evaluated 2026-01-11.

Conditions:
Inborn genetic diseases. Identifiers: MedGen C0950123, MeSH D030342.
Familial hemophagocytic lymphohistiocytosis 5. Also called: STXBP2-Related Familial Hemophagocytic Lymphohistiocytosis (STXBP2-fHLH). Identifiers: Orphanet 540, MedGen C2751293, MONDO:0013135, OMIM 613101.

Allele frequency attached by ClinVar (database versions not stated): gnomAD exomes 0.00002; gnomAD 0.00003 and 0.00004; TOPMed 0.00003; ExAC 0.00004.

Submissions (3):

Labcorp Genetics (formerly Invitae), Labcorp
Classification: Uncertain significance for Familial hemophagocytic lymphohistiocytosis 5. Last evaluated: 2026-01-11. Review status: criteria provided, single submitter. Criteria: Invitae Variant Classification Sherloc (09022015). Collection method: clinical testing. Allele origin: germline.
Comment: This sequence change replaces alanine, which is neutral and non-polar, with threonine, which is neutral and polar, at codon 486 of the STXBP2 protein (p.Ala486Thr). This variant is present in population databases (rs199839827, gnomAD 0.004%). This variant has not been reported in the literature in individuals affected with STXBP2-related conditions. ClinVar contains an entry for this variant (Variation ID: 893534). Invitae Evidence Modeling of protein sequence and biophysical properties (such as structural, functional, and spatial information, amino acid conservation, physicochemical variation, residue mobility, and thermodynamic stability) indicates that this missense variant is not expected to disrupt STXBP2 protein function with a negative predictive value of 95%. In summary, the available evidence is currently insufficient to determine the role of this variant in disease. Therefore, it has been classified as a Variant of Uncertain Significance.

Ambry Genetics
Classification: Uncertain significance for Inborn genetic diseases. Last evaluated: 2023-04-07. Review status: criteria provided, single submitter. Criteria: Ambry Variant Classification Scheme 2023. Collection method: clinical testing. Allele origin: germline.

Illumina Laboratory Services, Illumina
Classification: Uncertain significance for Familial hemophagocytic lymphohistiocytosis 5. Last evaluated: 2018-01-12. Review status: criteria provided, single submitter. Criteria: ICSL Variant Classification Criteria 13 December 2019. Collection method: clinical testing. Allele origin: germline.